The following is an entry in ClinVar:

ClinVar aggregate classification (germline): Uncertain significance (1 of 4 stars; one submission).

Conditions:
Adams-Oliver syndrome 5 (AOS5). Identifiers: Orphanet 974, MedGen C4014970, MONDO:0014459, OMIM 616028.

Allele frequency attached by ClinVar (database versions not stated): TOPMed 0.00002.
gnomAD v4.1: 7 of 1,612,836 alleles (0.00043%); highest among the groups gnomAD compares: African/African-American, 0.0013%; no homozygotes.

Submission:

Labcorp Genetics (formerly Invitae), Labcorp
Classification: Uncertain significance for Adams-Oliver syndrome 5. Last evaluated: 2023-03-02. Review status: criteria provided, single submitter. Criteria: Invitae Variant Classification Sherloc (09022015). Collection method: clinical testing. Allele origin: germline.
Comment: This sequence change replaces arginine, which is basic and polar, with leucine, which is neutral and non-polar, at codon 1082 of the NOTCH1 protein (p.Arg1082Leu). This variant is present in population databases (rs758471372, gnomAD 0.003%). This variant has not been reported in the literature in individuals affected with NOTCH1-related conditions. ClinVar contains an entry for this variant (Variation ID: 409079). Advanced modeling of protein sequence and biophysical properties (such as structural, functional, and spatial information, amino acid conservation, physicochemical variation, residue mobility, and thermodynamic stability) performed at Invitae indicates that this missense variant is not expected to disrupt NOTCH1 protein function. In summary, the available evidence is currently insufficient to determine the role of this variant in disease. Therefore, it has been classified as a Variant of Uncertain Significance.

NM_017617.5(NOTCH1):c.3245G>T (p.Arg1082Leu)

Gene: NOTCH1 (notch receptor 1; minus strand). Cytogenetic location: 9q34.3.
Variant type: single nucleotide variant.
Coding change: c.3245G>T on transcript NM_017617.5 (MANE Select); coding-DNA position 3245, G replaced by T.
Protein change: p.Arg1082Leu; replaces arginine 1082 with leucine.
Molecular consequence: missense variant.
Genome position (GRCh38, 1-based): chr9:136,508,312, C>A on the plus strand (G>T on the coding strand, the complement: NOTCH1 is on the minus strand). VCF-style: chr9-136508312-C-A. GRCh37 (hg19) VCF-style: chr9-139402764-C-A.
Other names: c.3245G>T, p.Arg1082Leu (LRG_1122t1); short protein forms R1082L.
Identifiers: ClinVar variation 409079 (VCV000409079.8), dbSNP rs758471372, ClinGen allele CA5341008.